The following is an entry in ClinVar:

ClinVar aggregate classification (germline): Conflicting classifications of pathogenicity. Review status: criteria provided, conflicting classifications (1 of 4 stars). 2 submissions from 2 submitters: Uncertain significance (1); Likely benign (1). Last evaluated 2025-12-08.

Conditions:
Hereditary cancer-predisposing syndrome. Also called: Neoplastic Syndromes, Hereditary; Hereditary Cancer Syndrome; Tumor predisposition; Hereditary neoplastic syndrome. Identifiers: Orphanet 140162, MedGen C0027672, MeSH D009386, MONDO:0015356.
EGFR-related lung cancer (EGFR). Identifiers: MedGen CN130014.

gnomAD v4.1: 3 of 1,611,162 alleles (0.00019%); highest among the groups gnomAD compares: Non-Finnish European, 0.00025%; no homozygotes.

Submissions (2):

Labcorp Genetics (formerly Invitae), Labcorp
Classification: Uncertain significance for EGFR-related lung cancer. Last evaluated: 2025-12-08. Review status: criteria provided, single submitter. Criteria: Invitae Variant Classification Sherloc (09022015). Collection method: clinical testing. Allele origin: germline.
Comment: This sequence change replaces arginine, which is basic and polar, with leucine, which is neutral and non-polar, at codon 334 of the EGFR protein (p.Arg334Leu). This variant is not present in population databases (gnomAD no frequency). This variant has not been reported in the literature in individuals affected with EGFR-related conditions. ClinVar contains an entry for this variant (Variation ID: 969728). Invitae Evidence Modeling of protein sequence and biophysical properties (such as structural, functional, and spatial information, amino acid conservation, physicochemical variation, residue mobility, and thermodynamic stability) indicates that this missense variant is not expected to disrupt EGFR protein function with a negative predictive value of 80%. In summary, the available evidence is currently insufficient to determine the role of this variant in disease. Therefore, it has been classified as a Variant of Uncertain Significance.

Ambry Genetics
Classification: Likely benign for Hereditary cancer-predisposing syndrome. Last evaluated: 2025-01-03. Review status: criteria provided, single submitter. Criteria: Ambry Variant Classification Scheme 2023. Collection method: clinical testing. Allele origin: germline.

NM_005228.5(EGFR):c.1001G>T (p.Arg334Leu)

Gene: EGFR (epidermal growth factor receptor; plus strand). Cytogenetic location: 7p11.2.
Variant type: single nucleotide variant.
Coding change: c.1001G>T on transcript NM_005228.5 (MANE Select); coding-DNA position 1001, G replaced by T.
Protein change: p.Arg334Leu; replaces arginine 334 with leucine.
Molecular consequence: missense variant.
Genome position (GRCh38, 1-based): chr7:55,155,941, G>T. VCF-style: chr7-55155941-G-T. GRCh37 (hg19) VCF-style: chr7-55223634-G-T.
Other names: c.866G>T, p.Arg289Leu (NM_001346897.2, NM_001346899.2); c.1001G>T, p.Arg334Leu (NM_001346898.2, NM_201282.2, NM_201283.2 and 1 more transcripts); c.842G>T, p.Arg281Leu (NM_001346900.2); c.200G>T, p.Arg67Leu (NM_001346941.2); short protein forms R281L, R67L, R334L, R289L.
Identifiers: ClinVar variation 969728 (VCV000969728.9), dbSNP rs771929085, ClinGen allele CA367578159.
Genomic context (GRCh38, chr7:55,155,941, plus strand): 5'-ACAGCTATGAGATGGAGGAAGACGGCGTCCGCAAGTGTAAGAAGTGCGAAGGGCCTTGCC[G>T]CAAAGGTAGGAAGCCCGCCGGTGTGCGGACGAGGCTTGTTCTCGGCTGCTGAGGCTGGGC-3'
Protein context (NP_005219.2, residues 324-344): RKCKKCEGPC[Arg334Leu]KVCNGIGIGE